The following is an entry in ClinVar:

ClinVar aggregate classification (germline): Pathogenic (1 of 4 stars; one submission).

Submission:

CeGaT Center for Human Genetics Tuebingen
Classification: Pathogenic. Last evaluated: 2024-02-01. Review status: criteria provided, single submitter. Criteria: CeGaT Center For Human Genetics Tuebingen Variant Classification Criteria Version 2. Collection method: clinical testing. Allele origin: germline. Affected: yes. Observed: 2 variant alleles.
Comment: PRR12: PVS1, PM2

NM_020719.3(PRR12):c.1507C>T (p.Gln503Ter)

Gene: PRR12 (proline rich 12; plus strand). Cytogenetic location: 19q13.33.
Variant type: single nucleotide variant.
Coding change: c.1507C>T on transcript NM_020719.3 (MANE Select); coding-DNA position 1507, C replaced by T.
Protein change: p.Gln503Ter; replaces glutamine 503 with a stop codon.
Molecular consequence: nonsense.
Genome position (GRCh38, 1-based): chr19:49,595,842, C>T. VCF-style: chr19-49595842-C-T. GRCh37 (hg19) VCF-style: chr19-50099099-C-T.
Other names: short protein forms Q503*.
Identifiers: ClinVar variation 3027175 (VCV003027175.22), dbSNP rs2514271250, ClinGen allele CA406865673.